The following is an entry in ClinVar:

NM_001032382.2(PQBP1):c.475C>T (p.Arg159Trp)

Gene: PQBP1 (polyglutamine binding protein 1; plus strand). Cytogenetic location: Xp11.23.
Variant type: single nucleotide variant.
Coding change: c.475C>T on transcript NM_001032382.2 (MANE Select); coding-DNA position 475, C replaced by T.
Protein change: p.Arg159Trp; replaces arginine 159 with tryptophan.
Molecular consequence: missense variant. On other transcripts: intron variant (2).
Genome position (GRCh38, 1-based): chrX:48,902,415, C>T. VCF-style: chrX-48902415-C-T. GRCh37 (hg19) VCF-style: chrX-48759692-C-T.
Other names: c.475C>T, p.Arg159Trp (NM_001032381.2, NM_001032383.2, NM_001032384.1 and 2 more transcripts); c.451C>T, p.Arg151Trp (NM_001167990.2); c.293-317C>T (NM_144495.3); c.202-27C>T (NM_001167992.1); short protein forms R159W, R151W.
Identifiers: ClinVar variation 930267 (VCV000930267.45), dbSNP rs200715521, ClinGen allele CA10405926.

ClinVar aggregate classification (germline): Uncertain significance. Review status: criteria provided, multiple submitters, no conflicts (2 of 4 stars). 4 submissions from 4 submitters: Uncertain significance (4). Last evaluated 2026-02-18.

Conditions:
Renpenning syndrome. Also called: Mental retardation, X-linked Renpenning type; X-linked mental retardation with spastic diplegia; X-linked mental retardation syndromic 3; Sutherland-Haan syndrome; GOLABI-ITO-HALL SYNDROME; MENTAL RETARDATION, X-LINKED 55. Identifiers: Orphanet 3242, MedGen C0796135, MONDO:0010653, OMIM 309500.

Allele frequency attached by ClinVar (database versions not stated): ExAC below 0.00001; gnomAD exomes 0.00001; 1000 Genomes Project 30x 0.00021; 1000 Genomes Project 0.00026.

Submissions (4):

Women's Health and Genetics/Laboratory Corporation of America, LabCorp
Classification: Uncertain significance. Last evaluated: 2026-02-18. Review status: criteria provided, single submitter. Criteria: LabCorp Variant Classification Summary - May 2015. Collection method: clinical testing. Allele origin: germline.
Comment: Variant summary: PQBP1 c.475C>T (p.Arg159Trp) results in a non-conservative amino acid change in the encoded protein sequence. Algorithms developed to predict the effect of missense changes on protein structure and function are either unavailable or do not agree on the potential impact of this missense change. The frequency data for this variant in gnomAD is considered unreliable, as metrics indicate poor data quality at this position. To our knowledge, no occurrence of c.475C>T in individuals affected with PQBP1-related conditions and no experimental evidence demonstrating its impact on protein function have been reported. ClinVar contains an entry for this variant (Variation ID: 930267). Based on the evidence outlined above, the variant was classified as uncertain significance.

Blueprint Genetics
Classification: Uncertain significance. Last evaluated: 2022-11-25. Review status: criteria provided, single submitter. Criteria: ACMG Guidelines, 2015. Collection method: clinical testing. Allele origin: germline.

CeGaT Center for Human Genetics Tuebingen
Classification: Uncertain significance. Last evaluated: 2020-12-01. Review status: criteria provided, single submitter. Criteria: CeGaT Center For Human Genetics Tuebingen Variant Classification Criteria Version 2. Collection method: clinical testing. Allele origin: germline. Affected: yes. Observed: 1 variant allele.

Centre for Mendelian Genomics, University Medical Centre Ljubljana
Classification: Uncertain significance for Renpenning syndrome. Last evaluated: 2020-03-30. Review status: criteria provided, single submitter. Criteria: ACMG Guidelines, 2015. Collection method: clinical testing. Allele origin: unknown. Affected: yes.
Comment: This variant was classified as: Uncertain significance. The available evidence on this variant's pathogenicity is insufficient or conflicting. The following ACMG criteria were applied in classifying this variant: PM2,PP3.